The following is an entry in ClinVar:

ClinVar aggregate classification (germline): Uncertain significance (1 of 4 stars; one submission).

Submission:

CeGaT Center for Human Genetics Tuebingen
Classification: Uncertain significance. Last evaluated: 2025-01-01. Review status: criteria provided, single submitter. Criteria: CeGaT Center For Human Genetics Tuebingen Variant Classification Criteria Version 2. Collection method: clinical testing. Allele origin: germline. Affected: yes. Observed: 1 variant allele.
Comment: TMEM127: PM2

NM_017849.4(TMEM127):c.41G>T (p.Arg14Leu)

Genes: TMEM127 (transmembrane protein 127; minus strand), LOC129934333 (ATAC-STARR-seq lymphoblastoid silent region 11759; plus strand). Cytogenetic location: 2q11.2.
Variant type: single nucleotide variant.
Coding change: c.41G>T on transcript NM_017849.4 (MANE Select); coding-DNA position 41, G replaced by T.
Protein change: p.Arg14Leu; replaces arginine 14 with leucine.
Molecular consequence: missense variant. On other transcripts: intron variant (1).
Genome position (GRCh38, 1-based): chr2:96,265,341, C>A on the plus strand (G>T on the coding strand, the complement: TMEM127 is on the minus strand). VCF-style: chr2-96265341-C-A. GRCh37 (hg19) VCF-style: chr2-96931079-C-A.
Other names: c.41G>T, p.Arg14Leu (NM_001193304.3); c.-9+528G>T (NM_001407283.1); short protein forms R14L.
Identifiers: ClinVar variation 3772204 (VCV003772204.13).
Genomic context (GRCh38, chr2:96,265,341, plus strand): 5'-GCCGAGGCCAGGCTACGCTCCGGCTGCTTGGGCAGAGCGCTGCCTCCCGGGCTCCTCCGC[C>A]GGCGCCCGCCGGGCAGCCCTGCGCCTCCGGGGGCGTACATGCCCGGGGCCGCCCGCCGTC-3'
Protein context (NP_060319.1, residues 4-24): PGGAGLPGGR[Arg14Leu]RRSPGGSALP